The following is an entry in ClinVar:

NM_000219.6(KCNE1):c.190A>C (p.Ser64Arg)

Gene: KCNE1 (potassium voltage-gated channel subfamily E regulatory subunit 1; minus strand). Cytogenetic location: 21q22.12.
Variant type: single nucleotide variant.
Coding change: c.190A>C on transcript NM_000219.6 (MANE Select); coding-DNA position 190, A replaced by C.
Protein change: p.Ser64Arg; replaces serine 64 with arginine.
Molecular consequence: missense variant.
Genome position (GRCh38, 1-based): chr21:34,449,445, T>G on the plus strand (A>C on the coding strand, the complement: KCNE1 is on the minus strand). VCF-style: chr21-34449445-T-G. GRCh37 (hg19) VCF-style: chr21-35821743-T-G.
Other names: c.190A>C, p.Ser64Arg (NM_001127668.4, NM_001127669.4, NM_001127670.4 and 4 more transcripts); short protein forms S64R.
Identifiers: ClinVar variation 3374285 (VCV003374285.2).

Conditions:
Long QT syndrome 5 (LQT5). Identifiers: Orphanet 101016, Orphanet 768, MedGen C1867904, MONDO:0013372, OMIM 613695.

Submission:

Roden Lab, Vanderbilt University Medical Center
No classification provided (evidence only). Condition: Long QT syndrome 5. Review status: no classification provided. Collection method: in vitro. Allele origin: not applicable. Functional consequence: Effect on ion channel function.
ClinVar note: "not provided" was previously submitted as the classification for the variant. However, the classification appeared to be based only on an observation of functional data so it was converted to no classification on 2025-07-30.